The following is an entry in ClinVar:

NM_020070.4(IGLL1):c.201G>A (p.Trp67Ter)

Gene: IGLL1 (immunoglobulin lambda like polypeptide 1; minus strand). Cytogenetic location: 22q11.23.
Variant type: single nucleotide variant.
Coding change: c.201G>A on transcript NM_020070.4 (MANE Select); coding-DNA position 201, G replaced by A.
Protein change: p.Trp67Ter; replaces tryptophan 67 with a stop codon.
Molecular consequence: nonsense.
Genome position (GRCh38, 1-based): chr22:23,579,990, C>T on the plus strand (G>A on the coding strand, the complement: IGLL1 is on the minus strand). VCF-style: chr22-23579990-C-T. GRCh37 (hg19) VCF-style: chr22-23922177-C-T.
Other names: c.201G>A, p.Trp67Ter (NM_001369906.1, NM_152855.3); short protein forms W67*.
Identifiers: ClinVar variation 3612434 (VCV003612434.2).

ClinVar aggregate classification (germline): Uncertain significance (1 of 4 stars; one submission).

Conditions:
Agammaglobulinemia 2, autosomal recessive (AGM2). Also called: AGAMMAGLOBULINEMIA, AUTOSOMAL RECESSIVE, DUE TO IGLL1 DEFECT. Identifiers: MedGen C3150750, MONDO:0013287, OMIM 613500.

gnomAD v4.1: 4 of 1,579,350 alleles (0.00025%); highest among the groups gnomAD compares: African/African-American, 0.0013%; no homozygotes.

Submission:

Labcorp Genetics (formerly Invitae), Labcorp
Classification: Uncertain significance for Agammaglobulinemia 2, autosomal recessive. Last evaluated: 2025-07-27. Review status: criteria provided, single submitter. Criteria: Invitae Variant Classification Sherloc (09022015). Collection method: clinical testing. Allele origin: germline.
Comment: This sequence change creates a premature translational stop signal (p.Trp67*) in the IGLL1 gene. It is expected to result in an absent or disrupted protein product. However, the current clinical and genetic evidence is not sufficient to establish whether loss-of-function variants in IGLL1 cause disease. This variant is not present in population databases (gnomAD no frequency). This variant has not been reported in the literature in individuals affected with IGLL1-related conditions. ClinVar contains an entry for this variant (Variation ID: 3612434). In summary, the available evidence is currently insufficient to determine the role of this variant in disease. Therefore, it has been classified as a Variant of Uncertain Significance.